The following is an entry in ClinVar:

ClinVar aggregate classification (germline): Pathogenic (1 of 4 stars; one submission).

Conditions:
PKD1-related disorder. Also called: PKD1-related condition.

Submission:

PreventionGenetics, part of Exact Sciences
Classification: Pathogenic for PKD1-related condition. Last evaluated: 2025-01-03. Review status: criteria provided, single submitter. Criteria: ACMG Guidelines, 2015. Collection method: clinical testing. Allele origin: germline.
Comment: The PKD1 c.6807_6811del5 variant is predicted to result in a frameshift and premature protein termination (p.Asp2270Thrfs*148). To our knowledge, this variant has not been reported in the literature or in a large population database (gnomAD), indicating this variant is rare. Frameshift variants in PKD1 are expected to be pathogenic. This variant is interpreted as pathogenic.

NM_001009944.3(PKD1):c.6807_6811del (p.Asp2270fs)

Gene: PKD1 (polycystin 1, transient receptor potential channel interacting; minus strand). Cytogenetic location: 16p13.3.
Variant type: Deletion.
Coding change: c.6807_6811del on transcript NM_001009944.3 (MANE Select); coding-DNA positions 6807 to 6811, 5 bases deleted (AGACA; older notation c.6807_6811delAGACA).
Protein change: p.Asp2270fs; shifts the reading frame from aspartic acid 2270.
Molecular consequence: frameshift variant.
Genome position (GRCh38, 1-based): chr16:2,108,356-2,108,360, TGTCT deleted on the plus strand (AGACA on the coding strand, the reverse complement: PKD1 is on the minus strand). VCF-style (leftmost placement, unchanged base first): chr16-2108355-GTGTCT-G. GRCh37 (hg19) VCF-style: chr16-2158356-GTGTCT-G.
Other names: c.6807_6811del5 (NM_001009944.2); c.6807_6811del, p.Asp2270fs (NM_000296.4); short protein forms D2270fs.
Identifiers: ClinVar variation 4997734 (VCV004997734.1).